The following is an entry in ClinVar:

NM_000238.4(KCNH2):c.2984C>G (p.Ser995Cys)

Gene: KCNH2 (potassium voltage-gated channel subfamily H member 2; minus strand). Cytogenetic location: 7q36.1.
Variant type: single nucleotide variant.
Coding change: c.2984C>G on transcript NM_000238.4 (MANE Select); coding-DNA position 2984, C replaced by G.
Protein change: p.Ser995Cys; replaces serine 995 with cysteine.
Molecular consequence: missense variant. On other transcripts: non-coding transcript variant (2).
Genome position (GRCh38, 1-based): chr7:150,947,496, G>C on the plus strand (C>G on the coding strand, the complement: KCNH2 is on the minus strand). VCF-style: chr7-150947496-G-C. GRCh37 (hg19) VCF-style: chr7-150644584-G-C.
Other names: c.2696C>G, p.Ser899Cys (NM_001406753.1); c.1964C>G, p.Ser655Cys (NM_172057.3); short protein forms S655C, S899C, S995C.
Identifiers: ClinVar variation 4881293 (VCV004881293.2).
Genomic context (GRCh38, chr7:150,947,496, plus strand): 5'-CATCGAGGGAGCTCCTGGTACTGGCGGCCCCGACTGTCCCCCCAGAAGCTGAAAATGTTG[G>C]ACACTCCTGAGAAGGCGCCTGCAGCCAGAGAGCAGAGCTGGGTGAGCGGGGTAGACGCAC-3'
Protein context (NP_000229.1, residues 985-1005): NPLSGAFSGV[Ser995Cys]NIFSFWGDSR

ClinVar aggregate classification (germline): Uncertain significance (1 of 4 stars; one submission).

Submission:

Dasa
Classification: Uncertain significance. Last evaluated: 2025-11-28. Review status: criteria provided, single submitter. Criteria: DASA Assertion Criteria. Collection method: clinical testing. Allele origin: germline.
Comment: NM_000238.4(KCNH2):c.2984C>G (p.Ser995Cys) is a missense variant that results in the substitution of serine with cysteine. This variant is absent from population databases. Computational prediction algorithms are consistent with a deleterious effect. The currently available literature and clinical evidence are not sufficient to establish a definitive association between this variant and the reported condition. Therefore, this variant is classified as a variant of uncertain significance.